The following is an entry in ClinVar:

ClinVar aggregate classification (germline): Benign/Likely benign. Review status: criteria provided, multiple submitters, no conflicts (2 of 4 stars). 2 submissions from 2 submitters: Benign (1); Likely benign (1). Last evaluated 2024-10-02.

Conditions:
Hereditary cancer-predisposing syndrome. Also called: Neoplastic Syndromes, Hereditary; Tumor predisposition; Hereditary Cancer Syndrome; Hereditary neoplastic syndrome. Identifiers: Orphanet 140162, MedGen C0027672, MeSH D009386, MONDO:0015356.
Familial cancer of breast. Also called: BREAST CANCER, FAMILIAL; Hereditary breast cancer; hereditary breast carcinoma. Identifiers: Orphanet 227535, MedGen C0346153, MONDO:0016419, OMIM 114480. Disease mechanism: loss of function.

Submissions (2):

Myriad Genetics, Inc.
Classification: Benign for Familial cancer of breast. Last evaluated: 2024-10-02. Review status: criteria provided, single submitter. Criteria: Myriad Autosomal Dominant, Autosomal Recessive and X-Linked Classification Criteria (2023). Collection method: clinical testing. Allele origin: unknown.
Comment: This variant is considered benign. This variant is a silent/synonymous amino acid change and it is not expected to impact splicing.

Ambry Genetics
Classification: Likely benign for Hereditary cancer-predisposing syndrome. Last evaluated: 2019-08-25. Review status: criteria provided, single submitter. Criteria: Ambry Variant Classification Scheme 2023. Collection method: clinical testing. Allele origin: germline.

NM_007194.4(CHEK2):c.330T>C (p.Asn110=)

Gene: CHEK2 (checkpoint kinase 2; minus strand). Cytogenetic location: 22q12.1.
Variant type: single nucleotide variant.
Coding change: c.330T>C on transcript NM_007194.4 (MANE Select); coding-DNA position 330, T replaced by C.
Protein change: p.Asn110=; no amino-acid change (asparagine 110 retained).
Molecular consequence: synonymous variant.
Genome position (GRCh38, 1-based): chr22:28,725,357, A>G on the plus strand (T>C on the coding strand, the complement: CHEK2 is on the minus strand). VCF-style: chr22-28725357-A-G. GRCh37 (hg19) VCF-style: chr22-29121345-A-G.
Other names: c.330T>C, p.Asn110= (NM_001349956.3, NM_145862.3); c.459T>C, p.Asn153= (NM_001005735.3); c.-448T>C (NM_001257387.3).
Identifiers: ClinVar variation 1730075 (VCV001730075.3), dbSNP rs2146071754, ClinGen allele CA513945312.
Genomic context (GRCh38, chr22:28,725,357, plus strand): 5'-CAGCAGTGGTTCATCAAAGCAATATTCACAGCTTTTGTCCCTCCCAAACCAGTAGTTGTC[A>G]TTCACACATTCTGTAATATAAAAGCATGCATCAGAGGGCTGTTGAATTTCATGTATCAAA-3'
Protein context (NP_009125.1, residues 100-120): QDGFANLECV[Asn110=]DNYWFGRDKS